The following is an entry in ClinVar:

NM_001009944.3(PKD1):c.6101G>T (p.Gly2034Val)

Gene: PKD1 (polycystin 1, transient receptor potential channel interacting; minus strand). Cytogenetic location: 16p13.3.
Variant type: single nucleotide variant.
Coding change: c.6101G>T on transcript NM_001009944.3 (MANE Select); coding-DNA position 6101, G replaced by T.
Protein change: p.Gly2034Val; replaces glycine 2034 with valine.
Molecular consequence: missense variant.
Genome position (GRCh38, 1-based): chr16:2,109,066, C>A on the plus strand (G>T on the coding strand, the complement: PKD1 is on the minus strand). VCF-style: chr16-2109066-C-A. GRCh37 (hg19) VCF-style: chr16-2159067-C-A.
Other names: c.6101G>T, p.Gly2034Val (NM_000296.4); short protein forms G2034V.
Identifiers: ClinVar variation 2663600 (VCV002663600.2), dbSNP rs2544805986, ClinGen allele CA394374389.

ClinVar aggregate classification (germline): Uncertain significance. Review status: criteria provided, multiple submitters, no conflicts (2 of 4 stars). 2 submissions from 2 submitters: Uncertain significance (2). Last evaluated 2023-10-30.

Submissions (2):

GeneDx
Classification: Uncertain significance. Last evaluated: 2023-10-30. Review status: criteria provided, single submitter. Criteria: GeneDx Variant Classification Process June 2021. Collection method: clinical testing. Allele origin: germline. Affected: yes.
Comment: Not observed at significant frequency in large population cohorts (gnomAD); In silico analysis supports that this missense variant has a deleterious effect on protein structure/function; This variant is associated with the following publications: (PMID: Chang2022[preprint])

Blueprint Genetics
Classification: Uncertain significance. Last evaluated: 2021-01-21. Review status: criteria provided, single submitter. Criteria: ACMG Guidelines, 2015. Collection method: clinical testing. Allele origin: germline.